The following is an entry in ClinVar:

NM_000057.4(BLM):c.2897T>C (p.Leu966Pro)

Gene: BLM (BLM RecQ like helicase; plus strand). Cytogenetic location: 15q26.1.
Variant type: single nucleotide variant.
Coding change: c.2897T>C on transcript NM_000057.4 (MANE Select); coding-DNA position 2897, T replaced by C.
Protein change: p.Leu966Pro; replaces leucine 966 with proline.
Molecular consequence: missense variant.
Genome position (GRCh38, 1-based): chr15:90,790,722, T>C. VCF-style: chr15-90790722-T-C. GRCh37 (hg19) VCF-style: chr15-91333952-T-C.
Other names: c.2897T>C, p.Leu966Pro (NM_001287246.2, NM_001287247.2); c.1772T>C, p.Leu591Pro (NM_001287248.2); short protein forms L966P, L591P.
Identifiers: ClinVar variation 1921266 (VCV001921266.4), dbSNP rs572734846, ClinGen allele CA7738893.

ClinVar aggregate classification (germline): Uncertain significance. Review status: criteria provided, multiple submitters, no conflicts (2 of 4 stars). 2 submissions from 2 submitters: Uncertain significance (2). Last evaluated 2026-06-25.

Conditions:
Hereditary cancer-predisposing syndrome. Also called: Hereditary neoplastic syndrome; Neoplastic Syndromes, Hereditary; Tumor predisposition; Hereditary Cancer Syndrome. Identifiers: Orphanet 140162, MedGen C0027672, MeSH D009386, MONDO:0015356.
Bloom syndrome (BLM). Also called: Bloom-Torre-Machacek syndrome. Identifiers: Orphanet 125, MedGen C0005859, MONDO:0008876, OMIM 210900.

Allele frequency attached by ClinVar (database versions not stated): ExAC 0.00001; gnomAD 0.00001; 1000 Genomes Project 30x 0.00016; 1000 Genomes Project 0.00020; gnomAD exomes below 0.00001.
gnomAD v4.1: 3 of 1,614,162 alleles (0.00019%); highest among the groups gnomAD compares: South Asian, 0.0033%; no homozygotes.

Submissions (2):

Ambry Genetics
Classification: Uncertain significance for Hereditary cancer-predisposing syndrome. Last evaluated: 2026-06-25. Review status: criteria provided, single submitter. Criteria: Ambry Variant Classification Scheme 2023. Collection method: clinical testing. Allele origin: germline.
Comment: The p.L966P variant (also known as c.2897T>C), located in coding exon 14 of the BLM gene, results from a T to C substitution at nucleotide position 2897. The leucine at codon 966 is replaced by proline, an amino acid with similar properties. This amino acid position is conserved. In addition, this alteration is predicted to be deleterious by in silico analysis. Based on the available evidence, the clinical significance of this variant remains unclear.

Labcorp Genetics (formerly Invitae), Labcorp
Classification: Uncertain significance for Bloom syndrome. Last evaluated: 2022-01-23. Review status: criteria provided, single submitter. Criteria: Invitae Variant Classification Sherloc (09022015). Collection method: clinical testing. Allele origin: germline.
Comment: This sequence change replaces leucine, which is neutral and non-polar, with proline, which is neutral and non-polar, at codon 966 of the BLM protein (p.Leu966Pro). This variant is present in population databases (rs572734846, gnomAD 0.006%). This variant has not been reported in the literature in individuals affected with BLM-related conditions. Algorithms developed to predict the effect of missense changes on protein structure and function are either unavailable or do not agree on the potential impact of this missense change (SIFT: "Deleterious"; PolyPhen-2: "Probably Damaging"; Align-GVGD: "Class C0"). In summary, the available evidence is currently insufficient to determine the role of this variant in disease. Therefore, it has been classified as a Variant of Uncertain Significance.